The following is an entry in ClinVar:

ClinVar aggregate classification (germline): Likely benign (1 of 4 stars; one submission).

Conditions:
CEP290-related disorder. Also called: CEP290-related condition; CEP290-related disorders. Identifiers: MedGen CN239314.

Submission:

PreventionGenetics, part of Exact Sciences
Classification: Likely benign for CEP290-related condition. Last evaluated: 2026-07-24. Review status: criteria provided, single submitter. Criteria: ACMG Guidelines, 2015. Collection method: clinical testing. Allele origin: germline.
Comment: This variant is classified as likely benign based on ACMG/AMP sequence variant interpretation guidelines (Richards et al. 2015 PMID: 25741868, with internal and published modifications).

NM_025114.4(CEP290):c.1623+7G>A

Gene: CEP290 (centrosomal protein 290; minus strand). Cytogenetic location: 12q21.32.
Variant type: single nucleotide variant.
Coding change: c.1623+7G>A on transcript NM_025114.4 (MANE Select); 7 bases into the intron after coding-DNA position 1623, G replaced by A.
Molecular consequence: intron variant.
Genome position (GRCh38, 1-based): chr12:88,118,636, C>T on the plus strand (G>A on the coding strand, the complement: CEP290 is on the minus strand). VCF-style: chr12-88118636-C-T. GRCh37 (hg19) VCF-style: chr12-88512413-C-T.
Identifiers: ClinVar variation 4995263 (VCV004995263.1).